The following is an entry in ClinVar:

ClinVar aggregate classification (germline): Pathogenic (1 of 4 stars; one submission).

Conditions:
Cerebral cavernous malformation (CCM). Also called: CAVERNOUS ANGIOMA, FAMILIAL; CAVERNOUS ANGIOMATOUS MALFORMATIONS; CEREBRAL CAPILLARY MALFORMATIONS; Cerebral cavernous malformations; Cavernous Hemangioma of Brain; Cerebral cavernous hemangioma (type). Identifiers: Orphanet 221061, MedGen C2919945, MONDO:0000820, OMIM 116860, HP:0033522.

Submission:

Labcorp Genetics (formerly Invitae), Labcorp
Classification: Pathogenic for Cerebral cavernous malformation. Last evaluated: 2017-06-03. Review status: criteria provided, single submitter. Criteria: Invitae Variant Classification Sherloc (09022015). Collection method: clinical testing. Allele origin: germline.
Comment: This sequence change creates a premature translational stop signal (p.Gln473*) in the KRIT1 gene. It is expected to result in an absent or disrupted protein product. This variant is not present in population databases (ExAC no frequency). This variant has not been reported in the literature in individuals with a KRIT1-related disease. Loss-of-function variants in KRIT1 are known to be pathogenic (PMID: 12404106, 23595507). For these reasons, this variant has been classified as Pathogenic.

Literature cited by the submitters: PubMed 12404106; PubMed 23595507.

NM_194454.3(KRIT1):c.1417C>T (p.Gln473Ter)

Gene: KRIT1 (KRIT1 ankyrin repeat containing; minus strand). Cytogenetic location: 7q21.2.
Variant type: single nucleotide variant.
Coding change: c.1417C>T on transcript NM_194454.3 (MANE Select); coding-DNA position 1417, C replaced by T.
Protein change: p.Gln473Ter; replaces glutamine 473 with a stop codon.
Molecular consequence: nonsense.
Genome position (GRCh38, 1-based): chr7:92,222,048, G>A on the plus strand (C>T on the coding strand, the complement: KRIT1 is on the minus strand). VCF-style: chr7-92222048-G-A. GRCh37 (hg19) VCF-style: chr7-91851362-G-A.
Other names: c.1273C>T, p.Gln425Ter (NM_001013406.2, NM_001350669.1, NM_001350670.1); c.703C>T, p.Gln235Ter (NM_001350671.1); c.1417C>T, p.Gln473Ter (NM_001350672.1, NM_001350673.1, NM_001350674.1 and 26 more transcripts); short protein forms Q473*, Q425*, Q235*.
Identifiers: ClinVar variation 468209 (VCV000468209.2), dbSNP rs1554513061, ClinGen allele CA368146745.